The following is an entry in ClinVar:

NM_005861.4(STUB1):c.552C>T (p.His184=)

Genes: JMJD8 (jumonji domain containing 8; minus strand), STUB1 (STIP1 homology and U-box containing protein 1; plus strand). Cytogenetic location: 16p13.3.
Variant type: single nucleotide variant.
Coding change: c.552C>T on transcript NM_005861.4 (MANE Select); coding-DNA position 552, C replaced by T.
Protein change: p.His184=; no amino-acid change (histidine 184 retained).
Molecular consequence: synonymous variant. On other transcripts: 3 prime UTR variant (5), non-coding transcript variant (3).
Genome position (GRCh38, 1-based): chr16:681,820, C>T. VCF-style: chr16-681820-C-T. GRCh37 (hg19) VCF-style: chr16-731820-C-T.
Other names: c.336C>T, p.His112= (NM_001293197.2); c.*974G>A (NM_001005920.4, NM_001323919.3, NM_001323920.3); c.*1008G>A (NM_001323918.3, NM_001323922.3).
Identifiers: ClinVar variation 2645846 (VCV002645846.24), dbSNP rs778709890, ClinGen allele CA7786660.

ClinVar aggregate classification (germline): Likely benign (1 of 4 stars; one submission).

Allele frequency attached by ClinVar (database versions not stated): gnomAD 0.00003; ExAC 0.00006.
gnomAD v4.1: 16 of 1,606,850 alleles (0.001%); highest among the groups gnomAD compares: South Asian, 0.0055%; no homozygotes.

Submission:

CeGaT Center for Human Genetics Tuebingen
Classification: Likely benign. Last evaluated: 2023-09-01. Review status: criteria provided, single submitter. Criteria: CeGaT Center For Human Genetics Tuebingen Variant Classification Criteria Version 2. Collection method: clinical testing. Allele origin: germline. Affected: yes. Observed: 1 variant allele.
Comment: STUB1: BP4, BP7